The following is an entry in ClinVar:

NM_004924.6(ACTN4):c.2256C>T (p.Asn752=)

Gene: ACTN4 (actinin alpha 4; plus strand). Cytogenetic location: 19q13.2.
Variant type: single nucleotide variant.
Coding change: c.2256C>T on transcript NM_004924.6 (MANE Select); coding-DNA position 2256, C replaced by T.
Protein change: p.Asn752=; no amino-acid change (asparagine 752 retained).
Molecular consequence: synonymous variant.
Genome position (GRCh38, 1-based): chr19:38,727,022, C>T. VCF-style: chr19-38727022-C-T. GRCh37 (hg19) VCF-style: chr19-39217662-C-T.
Other names: c.2256C>T, p.Asn752= (NM_001322033.2, NM_001411143.1).
Identifiers: ClinVar variation 3346860 (VCV003346860.1).

ClinVar aggregate classification (germline): Likely benign (0 of 4 stars; one submission).

Conditions:
ACTN4-related disorder. Also called: ACTN4-related condition.

Submission:

PreventionGenetics, part of Exact Sciences
Classification: Likely benign for ACTN4-related condition. Last evaluated: 2024-09-25. Review status: no assertion criteria provided. Collection method: clinical testing. Allele origin: germline.
Comment: This variant is classified as likely benign based on ACMG/AMP sequence variant interpretation guidelines (Richards et al. 2015 PMID: 25741868, with internal and published modifications).